The following is an entry in ClinVar:

NM_001267550.2(TTN):c.49449A>G (p.Thr16483=)

Genes: TTN-AS1 (TTN antisense RNA 1; plus strand), TTN (titin; minus strand). Cytogenetic location: 2q31.2.
Variant type: single nucleotide variant.
Coding change: c.49449A>G on transcript NM_001267550.2 (MANE Select); coding-DNA position 49449, A replaced by G.
Protein change: p.Thr16483=; no amino-acid change (threonine 16483 retained).
Molecular consequence: synonymous variant.
Genome position (GRCh38, 1-based): chr2:178,613,834, T>C on the plus strand (A>G on the coding strand, the complement: TTN is on the minus strand). VCF-style: chr2-178613834-T-C. GRCh37 (hg19) VCF-style: chr2-179478561-T-C.
Other names: p.Thr14842=; c.44526A>G, p.Thr14842= (NM_001256850.1); c.22254A>G, p.Thr7418= (NM_003319.4); c.41745A>G, p.Thr13915= (NM_133378.4); c.22629A>G, p.Thr7543= (NM_133432.3); c.22830A>G, p.Thr7610= (NM_133437.4).
Identifiers: ClinVar variation 513604 (VCV000513604.32), dbSNP rs769061694, ClinGen allele CA1994598.

ClinVar aggregate classification (germline): Likely benign. Review status: criteria provided, multiple submitters, no conflicts (2 of 4 stars). 7 submissions from 7 submitters: Likely benign (6). 1 of the submissions does not count toward it. Last evaluated 2025-11-27.

Conditions:
Cardiovascular phenotype. Identifiers: MedGen CN230736.
Dilated cardiomyopathy 1G (CMD1G). Identifiers: Orphanet 154, MedGen C1858763, MONDO:0011400, OMIM 604145.
Autosomal recessive limb-girdle muscular dystrophy type 2J (LGMDR10). Also called: MUSCULAR DYSTROPHY, LIMB-GIRDLE, AUTOSOMAL RECESSIVE 10; Limb-girdle muscular dystrophy, type 2J. Identifiers: Orphanet 140922, MedGen C1837342, MONDO:0012127, OMIM 608807.
TTN-related disorder. Also called: TTN-related condition; TTN-related disease; TTN-related disorders.
Cardiomyopathy (CMYO). Also called: Cardiomyopathies. Identifiers: Orphanet 167848, MedGen C0878544, MONDO:0004994, HP:0001638. Inheritance: Various modes of inheritance.

Allele frequency attached by ClinVar (database versions not stated): gnomAD 0.00001 and 0.00002; gnomAD exomes 0.00002 and 0.00009; TOPMed 0.00002; ExAC 0.00011; 1000 Genomes Project 30x 0.00016.
gnomAD v4.1: 37 of 1,612,576 alleles (0.0023%); highest among the groups gnomAD compares: East Asian, 0.056%; no homozygotes.

Submissions (7):

Labcorp Genetics (formerly Invitae), Labcorp
Classification: Likely benign for Dilated cardiomyopathy 1G; Autosomal recessive limb-girdle muscular dystrophy type 2J. Last evaluated: 2025-11-27. Review status: criteria provided, single submitter. Criteria: Invitae Variant Classification Sherloc (09022015). Collection method: clinical testing. Allele origin: germline.

Mayo Clinic Laboratories, Mayo Clinic
Classification: Likely benign. Last evaluated: 2025-05-22. Review status: criteria provided, single submitter. Criteria: ACMG Guidelines, 2015. Collection method: clinical testing. Allele origin: germline. Observed: 1 variant allele.
Comment: BS1, BP4, BP7

CeGaT Center for Human Genetics Tuebingen
Classification: Likely benign. Last evaluated: 2025-02-01. Review status: criteria provided, single submitter. Criteria: CeGaT Center For Human Genetics Tuebingen Variant Classification Criteria Version 2. Collection method: clinical testing. Allele origin: germline. Affected: yes. Observed: 1 variant allele.
Comment: TTN: BP4, BP7

Ambry Genetics
Classification: Likely benign for Cardiovascular phenotype. Last evaluated: 2021-05-26. Review status: criteria provided, single submitter. Criteria: Ambry Variant Classification Scheme 2023. Collection method: clinical testing. Allele origin: germline.

GeneDx
Classification: Likely benign. Last evaluated: 2020-01-21. Review status: criteria provided, single submitter. Criteria: GeneDx Variant Classification Process June 2021. Collection method: clinical testing. Allele origin: germline. Affected: yes.

CHEO Genetics Diagnostic Laboratory, Children's Hospital of Eastern Ontario
Classification: Likely benign for Cardiomyopathy. Last evaluated: 2016-08-23. Review status: criteria provided, single submitter. Criteria: ACMG Guidelines, 2015. Collection method: clinical testing. Allele origin: germline. Study: Canadian Open Genetics Repository.

PreventionGenetics, part of Exact Sciences
Classification: Likely benign for TTN-related condition. Last evaluated: 2019-04-16. Review status: no assertion criteria provided. Collection method: clinical testing. Allele origin: germline. Not counted in ClinVar's aggregate classification.
Comment: This variant is classified as likely benign based on ACMG/AMP sequence variant interpretation guidelines (Richards et al. 2015 PMID: 25741868, with internal and published modifications).